The following is an entry in ClinVar:

ClinVar aggregate classification (germline): Uncertain significance (1 of 4 stars; one submission).

Submission:

Ambry Genetics
Classification: Uncertain significance. Last evaluated: 2025-05-05. Review status: criteria provided, single submitter. Criteria: Ambry Variant Classification Scheme 2023. Collection method: clinical testing. Allele origin: germline.
Comment: The p.Y446C variant (also known as c.1337A>G), located in coding exon 10 of the RECQL gene, results from an A to G substitution at nucleotide position 1337. The tyrosine at codon 446 is replaced by cysteine, an amino acid with highly dissimilar properties. This amino acid position is conserved. In addition, this alteration is predicted to be deleterious by in silico analysis. Based on the available evidence, the clinical significance of this variant remains unclear.

NM_002907.4(RECQL):c.1337A>G (p.Tyr446Cys)

Gene: RECQL (RecQ like helicase; minus strand). Cytogenetic location: 12p12.1.
Variant type: single nucleotide variant.
Coding change: c.1337A>G on transcript NM_002907.4 (MANE Select); coding-DNA position 1337, A replaced by G.
Protein change: p.Tyr446Cys; replaces tyrosine 446 with cysteine.
Molecular consequence: missense variant.
Genome position (GRCh38, 1-based): chr12:21,474,859, T>C on the plus strand (A>G on the coding strand, the complement: RECQL is on the minus strand). VCF-style: chr12-21474859-T-C. GRCh37 (hg19) VCF-style: chr12-21627793-T-C.
Other names: c.1337A>G, p.Tyr446Cys (NM_032941.3); short protein forms Y446C.
Identifiers: ClinVar variation 3944216 (VCV003944216.1).